The following is an entry in ClinVar:

NM_001199397.3(NEK1):c.1507dup (p.Ile503fs)

Gene: NEK1 (NIMA related kinase 1; minus strand). Cytogenetic location: 4q33.
Variant type: Duplication.
Coding change: c.1507dup on transcript NM_001199397.3 (MANE Select); coding-DNA position 1507, one base duplicated (A; older notation c.1507dupA).
Protein change: p.Ile503fs; shifts the reading frame from isoleucine 503.
Molecular consequence: frameshift variant. On other transcripts: non-coding transcript variant (1), intron variant (6).
Genome position (GRCh38, 1-based): chr4:169,555,775, T duplicated on the plus strand (A on the coding strand, the reverse complement: NEK1 is on the minus strand). VCF-style (leftmost placement, unchanged base first): chr4-169555774-A-AT. GRCh37 (hg19) VCF-style: chr4-170476925-A-AT.
Other names: c.1507dup, p.Ile503fs (NM_001374418.1, NM_001374419.1, NM_001440620.1 and 2 more transcripts); c.1456dup, p.Ile486fs (NM_001374420.1); c.1381dup, p.Ile461fs (NM_001374421.1); c.886dup, p.Ile296fs (NM_001440624.1); c.809+157dup (NM_001440625.1); c.1355+157dup (NM_001199399.3); c.1430+157dup (NM_001440623.1, NM_001440622.1, NM_001199398.3 and 1 more transcripts); short protein forms I503fs, I296fs, I461fs, I486fs.
Identifiers: ClinVar variation 4729401 (VCV004729401.1).

ClinVar aggregate classification (germline): Pathogenic (1 of 4 stars; one submission).

Conditions:
Short-rib thoracic dysplasia 6 with or without polydactyly (SRTD6). Also called: POLYDACTYLY WITH NEONATAL CHONDRODYSTROPHY, TYPE II; SHORT RIB-POLYDACTYLY SYNDROME, TYPE IIA; SHORT-RIB THORACIC DYSPLASIA 6 WITH POLYDACTYLY; SHORT-RIB THORACIC DYSPLASIA 6 WITHOUT POLYDACTYLY; Majewski Syndrome. Identifiers: MedGen C0024507, MONDO:0009894, OMIM 263520.

Submission:

Labcorp Genetics (formerly Invitae), Labcorp
Classification: Pathogenic for Short-rib thoracic dysplasia 6 with or without polydactyly. Last evaluated: 2026-01-27. Review status: criteria provided, single submitter. Criteria: Invitae Variant Classification Sherloc (09022015). Collection method: clinical testing. Allele origin: germline.
Comment: This sequence change creates a premature translational stop signal (p.Ile503Asnfs*2) in the NEK1 gene. It is expected to result in an absent or disrupted protein product. Loss-of-function variants in NEK1 are known to be pathogenic (PMID: 22499340, 29068549). This variant is not present in population databases (gnomAD no frequency). This variant has not been reported in the literature in individuals affected with NEK1-related conditions. For these reasons, this variant has been classified as Pathogenic.

Literature cited by the submitters: PubMed 22499340; PubMed 29068549.